The following is an entry in ClinVar:

ClinVar aggregate classification (germline): Uncertain significance (1 of 4 stars; one submission).

Conditions:
Charcot-Marie-Tooth disease type 4. Also called: Charcot-Marie-Tooth, Type 4; Charcot-Marie-Tooth disease, type IV. Identifiers: Orphanet 64749, MedGen C4082197, MONDO:0018995.

gnomAD v4.1: 1 of 1,613,664 alleles (0.000062%); no homozygotes.

Submission:

Labcorp Genetics (formerly Invitae), Labcorp
Classification: Uncertain significance for Charcot-Marie-Tooth disease type 4. Last evaluated: 2019-11-27. Review status: criteria provided, single submitter. Criteria: Invitae Variant Classification Sherloc (09022015). Collection method: clinical testing. Allele origin: germline.
Comment: In summary, the available evidence is currently insufficient to determine the role of this variant in disease. Therefore, it has been classified as a Variant of Uncertain Significance. Algorithms developed to predict the effect of missense changes on protein structure and function (SIFT, PolyPhen-2, Align-GVGD) all suggest that this variant is likely to be tolerated, but these predictions have not been confirmed by published functional studies and their clinical significance is uncertain. This variant has not been reported in the literature in individuals with FIG4-related conditions. This variant is not present in population databases (ExAC no frequency). This sequence change replaces valine with aspartic acid at codon 57 of the FIG4 protein (p.Val57Asp). The valine residue is moderately conserved and there is a large physicochemical difference between valine and aspartic acid.

NM_014845.6(FIG4):c.170T>A (p.Val57Asp)

Gene: FIG4 (FIG4 phosphoinositide 5-phosphatase; plus strand). Cytogenetic location: 6q21.
Variant type: single nucleotide variant.
Coding change: c.170T>A on transcript NM_014845.6 (MANE Select); coding-DNA position 170, T replaced by A.
Protein change: p.Val57Asp; replaces valine 57 with aspartic acid.
Molecular consequence: missense variant.
Genome position (GRCh38, 1-based): chr6:109,716,449, T>A. VCF-style: chr6-109716449-T-A. GRCh37 (hg19) VCF-style: chr6-110037652-T-A.
Other names: short protein forms V57D.
Identifiers: ClinVar variation 845237 (VCV000845237.9), dbSNP rs1775432556, ClinGen allele CA365212034.